The following is an entry in ClinVar:

ClinVar aggregate classification (germline): Conflicting classifications of pathogenicity. Review status: criteria provided, conflicting classifications (1 of 4 stars). 2 submissions from 2 submitters: Uncertain significance (1); Likely benign (1). Last evaluated 2024-10-13.

Conditions:
Hereditary cancer-predisposing syndrome. Also called: Hereditary Cancer Syndrome; Neoplastic Syndromes, Hereditary; Tumor predisposition; Hereditary neoplastic syndrome. Identifiers: Orphanet 140162, MedGen C0027672, MeSH D009386, MONDO:0015356.
Familial cancer of breast. Also called: BREAST CANCER, FAMILIAL; Hereditary breast cancer; hereditary breast carcinoma. Identifiers: Orphanet 227535, MedGen C0346153, MONDO:0016419, OMIM 114480. Disease mechanism: loss of function.

Submissions (2):

Labcorp Genetics (formerly Invitae), Labcorp
Classification: Uncertain significance for Familial cancer of breast. Last evaluated: 2024-10-13. Review status: criteria provided, single submitter. Criteria: Invitae Variant Classification Sherloc (09022015). Collection method: clinical testing. Allele origin: germline.
Comment: This sequence change replaces lysine, which is basic and polar, with glutamic acid, which is acidic and polar, at codon 311 of the BARD1 protein (p.Lys311Glu). This variant is not present in population databases (gnomAD no frequency). This variant has not been reported in the literature in individuals affected with BARD1-related conditions. ClinVar contains an entry for this variant (Variation ID: 481399). An algorithm developed to predict the effect of missense changes on protein structure and function outputs the following: PolyPhen-2: "Benign". The glutamic acid amino acid residue is found in multiple mammalian species, which suggests that this missense change does not adversely affect protein function. In summary, the available evidence is currently insufficient to determine the role of this variant in disease. Therefore, it has been classified as a Variant of Uncertain Significance.

Ambry Genetics
Classification: Likely benign for Hereditary cancer-predisposing syndrome. Last evaluated: 2024-02-26. Review status: criteria provided, single submitter. Criteria: Ambry Variant Classification Scheme 2023. Collection method: clinical testing. Allele origin: germline.

NM_000465.4(BARD1):c.931A>G (p.Lys311Glu)

Gene: BARD1 (BRCA1 associated RING domain 1; minus strand). Cytogenetic location: 2q35.
Variant type: single nucleotide variant.
Coding change: c.931A>G on transcript NM_000465.4 (MANE Select); coding-DNA position 931, A replaced by G.
Protein change: p.Lys311Glu; replaces lysine 311 with glutamic acid.
Molecular consequence: missense variant. On other transcripts: non-coding transcript variant (2), intron variant (3).
Genome position (GRCh38, 1-based): chr2:214,780,943, T>C on the plus strand (A>G on the coding strand, the complement: BARD1 is on the minus strand). VCF-style: chr2-214780943-T-C. GRCh37 (hg19) VCF-style: chr2-215645667-T-C.
Other names: c.874A>G, p.Lys292Glu (NM_001282543.2); c.159-28388A>G (NM_001282548.2); c.215+16118A>G (NM_001282545.2); c.364+11354A>G (NM_001282549.2); short protein forms K311E, K292E.
Identifiers: ClinVar variation 481399 (VCV000481399.9), dbSNP rs1553622337, ClinGen allele CA350454985.